The following is an entry in ClinVar:

ClinVar aggregate classification (germline): Uncertain significance (1 of 4 stars; one submission).

Conditions:
Epidermolysis bullosa simplex 3, localized or generalized intermediate, with BP230 deficiency (EBS3). Also called: Epidermolysis bullosa simplex, autosomal recessive 2; Epidermolysis bullosa simplex due to BP230 deficiency. Identifiers: Orphanet 412181, MedGen C3809470, MONDO:0014180, OMIM 615425.
Hereditary sensory and autonomic neuropathy type 6. Also called: Neuropathy, hereditary sensory and autonomic, type VI; HSAN VI. Identifiers: Orphanet 314381, MedGen C3539003, MONDO:0013839, OMIM 614653.

gnomAD v4.1: 1 of 1,613,068 alleles (0.000062%); highest among the groups gnomAD compares: South Asian, 0.0011%; no homozygotes.

Submission:

Labcorp Genetics (formerly Invitae), Labcorp
Classification: Uncertain significance for Epidermolysis bullosa simplex 3, localized or generalized intermediate, with BP230 deficiency; Hereditary sensory and autonomic neuropathy type 6. Last evaluated: 2021-07-31. Review status: criteria provided, single submitter. Criteria: Invitae Variant Classification Sherloc (09022015). Collection method: clinical testing. Allele origin: germline.
Comment: In summary, the available evidence is currently insufficient to determine the role of this variant in disease. Therefore, it has been classified as a Variant of Uncertain Significance. This sequence change replaces glutamic acid with lysine at codon 4112 of the DST protein (p.Glu4112Lys). The DST gene has multiple clinically relevant transcripts. This variant occurs in alternate transcript NM_015548.4, and corresponds to NM_001723.5:c.*118118G>A in the primary transcript. This variant is not present in population databases (ExAC no frequency). This variant has not been reported in the literature in individuals affected with DST-related conditions. Experimental studies and prediction algorithms are not available or were not evaluated, and the functional significance of this variant is currently unknown.

NM_001374736.1(DST):c.20203G>A (p.Glu6735Lys)

Gene: DST (dystonin; minus strand). Cytogenetic location: 6p12.1.
Variant type: single nucleotide variant.
Coding change: c.20203G>A on transcript NM_001374736.1 (MANE Select); coding-DNA position 20203, G replaced by A.
Protein change: p.Glu6735Lys; replaces glutamic acid 6735 with lysine.
Molecular consequence: missense variant.
Genome position (GRCh38, 1-based): chr6:56,497,399, C>T on the plus strand (G>A on the coding strand, the complement: DST is on the minus strand). VCF-style: chr6-56497399-C-T. GRCh37 (hg19) VCF-style: chr6-56362197-C-T.
Other names: c.13846G>A, p.Glu4616Lys (NM_001144769.5); c.13432G>A, p.Glu4478Lys (NM_001144770.2); c.20203G>A, p.Glu6735Lys (NM_001374722.1); c.19243G>A, p.Glu6415Lys (NM_001374729.1); c.12985G>A, p.Glu4329Lys (NM_001374730.1); c.20230G>A, p.Glu6744Lys (NM_001374734.1); c.13312G>A, p.Glu4438Lys (NM_001386100.1, NM_183380.4); c.12334G>A, p.Glu4112Lys (NM_015548.5); short protein forms E4329K, E4438K, E6415K, E4112K, E4478K, E4616K, E6735K, E6744K.
Identifiers: ClinVar variation 1494417 (VCV001494417.5), dbSNP rs2152452366, ClinGen allele CA364518163.